The following is an entry in ClinVar:

NM_001252024.2(TRPM1):c.2695C>T (p.Arg899Ter)

Genes: TRPM1 (transient receptor potential cation channel subfamily M member 1; minus strand), TRPM1-AS1 (TRPM1 antisense RNA 1; plus strand). Cytogenetic location: 15q13.3.
Variant type: single nucleotide variant.
Coding change: c.2695C>T on transcript NM_001252024.2 (MANE Select); coding-DNA position 2695, C replaced by T.
Protein change: p.Arg899Ter; replaces arginine 899 with a stop codon.
Molecular consequence: nonsense.
Genome position (GRCh38, 1-based): chr15:31,035,551, G>A on the plus strand (C>T on the coding strand, the complement: TRPM1 is on the minus strand). VCF-style: chr15-31035551-G-A. GRCh37 (hg19) VCF-style: chr15-31327754-G-A.
Other names: c.2746C>T, p.Arg916Ter (NM_001252020.2); c.2629C>T, p.Arg877Ter (NM_002420.6); short protein forms R877*, R916*, R899*.
Identifiers: ClinVar variation 593857 (VCV000593857.11), dbSNP rs1485132228, ClinGen allele CA391546645.

ClinVar aggregate classification (germline): Pathogenic/Likely pathogenic. Review status: criteria provided, multiple submitters, no conflicts (2 of 4 stars). 5 submissions from 5 submitters: Pathogenic (2); Likely pathogenic (2). 1 of the submissions does not count toward it. Last evaluated 2024-03-28.

Conditions:
TRPM1-related disorder. Also called: TRPM1-related condition.
Congenital stationary night blindness. Also called: Early-onset non-progressive night blindness. Identifiers: Orphanet 215, MedGen C0339535, MONDO:0016293, HP:0007642.
Congenital stationary night blindness 1C. Also called: Night blindness, congenital stationary (complete), 1C, autosomal recessive. Identifiers: Orphanet 215, MedGen C2750747, MONDO:0013183, OMIM 613216.

Allele frequency attached by ClinVar (database versions not stated): gnomAD exomes below 0.00001; gnomAD 0.00001; TOPMed 0.00001.
gnomAD v4.1: 12 of 1,613,984 alleles (0.00074%); highest among the groups gnomAD compares: Middle Eastern, 0.033%; no homozygotes.

Submissions (5):

Blueprint Genetics
Classification: Pathogenic for TRPM1-related disorders. Last evaluated: 2024-03-28. Review status: criteria provided, single submitter. Criteria: ACMG Guidelines, 2015. Collection method: clinical testing. Allele origin: germline. Affected: yes. Observed: 5 variant alleles.

Revvity Omics, Revvity
Classification: Likely pathogenic for Congenital stationary night blindness 1C. Last evaluated: 2022-05-31. Review status: criteria provided, single submitter. Criteria: ACMG Guidelines, 2015. Collection method: clinical testing. Allele origin: germline.

Broad Center for Mendelian Genomics, Broad Institute of MIT and Harvard
Classification: Likely pathogenic for Congenital stationary night blindness 1C. Last evaluated: 2018-06-15. Review status: criteria provided, single submitter. Criteria: ACMG Guidelines, 2015. Collection method: research. Allele origin: germline. Inheritance: Autosomal recessive inheritance. Affected: yes.
Comment: The homozygous p.Arg916Ter variant was identified by our study in two siblings with congenital stationary night blindness. This variant has been identified in <0.01% (1/111676) of European (Non-Finnish) chromosomes by the Genome Aggregation Database (gnomAD). Loss of function of the TRPM1 gene is an established disease mechanism in congenital stationary night blindness typ 1C, and this is a loss of function variant. In summary, although additional studies are required to fully establish its pathogenicity, this variant is likely pathogenic.

Eurofins Ntd Llc (ga)
Classification: Pathogenic. Last evaluated: 2017-09-18. Review status: criteria provided, single submitter. Criteria: EGL Classification Definitions 2015. Collection method: clinical testing. Allele origin: germline. Observed: 1 variant allele, 1 heterozygote.

Sharon lab, Hadassah-Hebrew University Medical Center
Classification: Pathogenic for Congenital stationary night blindness. Last evaluated: 2019-06-23. Review status: no assertion criteria provided. Collection method: research. Allele origin: inherited. Affected: yes. Not counted in ClinVar's aggregate classification.